The following is an entry in ClinVar:

NM_015214.3(DDHD2):c.1461+6T>C

Gene: DDHD2 (DDHD domain containing 2; plus strand). Cytogenetic location: 8p11.23.
Variant type: single nucleotide variant.
Coding change: c.1461+6T>C on transcript NM_015214.3 (MANE Select); 6 bases into the intron after coding-DNA position 1461, T replaced by C.
Molecular consequence: intron variant.
Genome position (GRCh38, 1-based): chr8:38,252,034, T>C. VCF-style: chr8-38252034-T-C. GRCh37 (hg19) VCF-style: chr8-38109552-T-C.
Other names: c.1461+6T>C (NM_001362914.2, NM_001362912.2, NM_001362911.2 and 1 more transcripts); c.1371+6T>C (NM_001362913.2).
Identifiers: ClinVar variation 2161213 (VCV002161213.4), dbSNP rs774587655, ClinGen allele CA4716265.

ClinVar aggregate classification (germline): Uncertain significance (1 of 4 stars; one submission).

Conditions:
Hereditary spastic paraplegia 54. Also called: Spastic paraplegia 54, autosomal recessive. Identifiers: Orphanet 320380, MedGen C3539495, MONDO:0014018, OMIM 615033.

Allele frequency attached by ClinVar (database versions not stated): ExAC 0.00002; gnomAD exomes 0.00003; gnomAD 0.00004; TOPMed 0.00004.
gnomAD v4.1: 43 of 1,612,354 alleles (0.0027%); highest among the groups gnomAD compares: Non-Finnish European, 0.0035%; no homozygotes.

Submission:

Labcorp Genetics (formerly Invitae), Labcorp
Classification: Uncertain significance for Hereditary spastic paraplegia 54. Last evaluated: 2023-08-04. Review status: criteria provided, single submitter. Criteria: Invitae Variant Classification Sherloc (09022015). Collection method: clinical testing. Allele origin: germline.
Comment: In summary, the available evidence is currently insufficient to determine the role of this variant in disease. Therefore, it has been classified as a Variant of Uncertain Significance. Variants that disrupt the consensus splice site are a relatively common cause of aberrant splicing (PMID: 17576681, 9536098). Algorithms developed to predict the effect of sequence changes on RNA splicing suggest that this variant is not likely to affect RNA splicing. ClinVar contains an entry for this variant (Variation ID: 2161213). This variant has not been reported in the literature in individuals affected with DDHD2-related conditions. This variant is present in population databases (rs774587655, gnomAD 0.004%). This sequence change falls in intron 12 of the DDHD2 gene. It does not directly change the encoded amino acid sequence of the DDHD2 protein. It affects a nucleotide within the consensus splice site.

Literature cited by the submitters: PubMed 17576681; PubMed 9536098.